The following is an entry in ClinVar:

ClinVar aggregate classification (germline): Uncertain significance (1 of 4 stars; one submission).

Conditions:
Congenital disorder of deglycosylation (CDDG). Identifiers: MedGen C3808991, MONDO:0031376.

Allele frequency attached by ClinVar (database versions not stated): gnomAD exomes below 0.00001.
gnomAD v4.1: 1 of 1,613,588 alleles (0.000062%); highest among the groups gnomAD compares: African/African-American, 0.0013%; no homozygotes.

Submission:

Labcorp Genetics (formerly Invitae), Labcorp
Classification: Uncertain significance for Congenital disorder of deglycosylation. Last evaluated: 2022-06-11. Review status: criteria provided, single submitter. Criteria: Invitae Variant Classification Sherloc (09022015). Collection method: clinical testing. Allele origin: germline.
Comment: In summary, the available evidence is currently insufficient to determine the role of this variant in disease. Therefore, it has been classified as a Variant of Uncertain Significance. Algorithms developed to predict the effect of missense changes on protein structure and function (SIFT, PolyPhen-2, Align-GVGD) all suggest that this variant is likely to be tolerated. This variant has not been reported in the literature in individuals affected with NGLY1-related conditions. This variant is not present in population databases (gnomAD no frequency). This sequence change replaces threonine, which is neutral and polar, with alanine, which is neutral and non-polar, at codon 413 of the NGLY1 protein (p.Thr413Ala).

NM_018297.4(NGLY1):c.1237A>G (p.Thr413Ala)

Gene: NGLY1 (N-glycanase 1; minus strand). Cytogenetic location: 3p24.2.
Variant type: single nucleotide variant.
Coding change: c.1237A>G on transcript NM_018297.4 (MANE Select); coding-DNA position 1237, A replaced by G.
Protein change: p.Thr413Ala; replaces threonine 413 with alanine.
Molecular consequence: missense variant.
Genome position (GRCh38, 1-based): chr3:25,733,895, T>C on the plus strand (A>G on the coding strand, the complement: NGLY1 is on the minus strand). VCF-style: chr3-25733895-T-C. GRCh37 (hg19) VCF-style: chr3-25775386-T-C.
Other names: c.1183A>G, p.Thr395Ala (NM_001145293.2); c.1111A>G, p.Thr371Ala (NM_001145294.2); c.1237A>G, p.Thr413Ala (NM_001145295.2); short protein forms T371A, T413A, T395A.
Identifiers: ClinVar variation 1967024 (VCV001967024.3), dbSNP rs2470526868, ClinGen allele CA351899882.